The following is an entry in ClinVar:

NM_016019.5(LUC7L2):c.367-443_763del

Genes: FMC1-LUC7L2 (FMC1-LUC7L2 readthrough; plus strand), LUC7L2 (LUC7 like 2, pre-mRNA splicing factor; plus strand). Cytogenetic location: 7q34.
Variant type: Deletion.
Coding change: c.367-443_763del on transcript NM_016019.5 (MANE Select); 443 bases into the intron before coding-DNA position 367 through coding-DNA position 763, 4,438 bases deleted.
Molecular consequence: splice acceptor variant, splice donor variant.
Genome position (GRCh38, 1-based): chr7:139,405,201-139,409,638, 4,438 bases deleted. GRCh37 (hg19): chr7:139,089,947-139,094,384.
Other names: c.358-443_754del (NM_001244585.2); c.364-443_760del (NM_001270643.2); c.565-443_961del (NM_001244584.3).
Identifiers: ClinVar variation 560143 (VCV000560143.3), ClinGen allele CA658821402.

ClinVar aggregate classification (germline): Uncertain significance (1 of 4 stars; one submission).

Submission:

Geisinger Autism and Developmental Medicine Institute, Geisinger Health System
Classification: Uncertain significance. Last evaluated: 2018-04-02. Review status: criteria provided, single submitter. Criteria: ACMG CNV Guidelines, 2011. Collection method: provider interpretation. Allele origin: unknown.
Comment: Parental testing was not completed. This deletion includes a portion of HIPK2, which is not currently associated with any genetic disorders. It is unclear at this time if this 7q34 deletion contributes to this patient's neurodevelopmental history.